The following is an entry in ClinVar:

ClinVar aggregate classification (germline): Uncertain significance (1 of 4 stars; one submission).

Conditions:
Muscular dystrophy-dystroglycanopathy (congenital with brain and eye anomalies), type a, 11 (MDDGA11). Also called: WALKER-WARBURG SYNDROME OR MUSCLE-EYE-BRAIN DISEASE, B3GALNT2-RELATED; Congenital muscular dystrophy-dystroglycanopathy with brain and eye anomalies, type A11; Muscular dystrophy-dystroglycanopathy (congenital with brain and eye anomalies, type A, 11. Identifiers: Orphanet 588, Orphanet 899, MedGen C3554638, MONDO:0014071, OMIM 615181.

Allele frequency attached by ClinVar (database versions not stated): ExAC 0.00002; gnomAD exomes 0.00001; TOPMed 0.00001.
gnomAD v4.1: 2 of 1,578,028 alleles (0.00013%); highest among the groups gnomAD compares: Admixed American, 0.0019%; no homozygotes.

Submission:

Labcorp Genetics (formerly Invitae), Labcorp
Classification: Uncertain significance for Muscular dystrophy-dystroglycanopathy (congenital with brain and eye anomalies), type a, 11. Last evaluated: 2022-06-06. Review status: criteria provided, single submitter. Criteria: Invitae Variant Classification Sherloc (09022015). Collection method: clinical testing. Allele origin: germline.
Comment: In summary, the available evidence is currently insufficient to determine the role of this variant in disease. Therefore, it has been classified as a Variant of Uncertain Significance. Algorithms developed to predict the effect of missense changes on protein structure and function are either unavailable or do not agree on the potential impact of this missense change (SIFT: "Tolerated"; PolyPhen-2: "Possibly Damaging"; Align-GVGD: "Class C0"). ClinVar contains an entry for this variant (Variation ID: 1041550). This variant has not been reported in the literature in individuals affected with B3GALNT2-related conditions. This variant is present in population databases (rs776153145, gnomAD 0.008%), including at least one homozygous and/or hemizygous individual. This sequence change replaces glycine, which is neutral and non-polar, with aspartic acid, which is acidic and polar, at codon 282 of the B3GALNT2 protein (p.Gly282Asp).

NM_152490.5(B3GALNT2):c.845G>A (p.Gly282Asp)

Gene: B3GALNT2 (beta-1,3-N-acetylgalactosaminyltransferase 2; minus strand). Cytogenetic location: 1q42.3.
Variant type: single nucleotide variant.
Coding change: c.845G>A on transcript NM_152490.5 (MANE Select); coding-DNA position 845, G replaced by A.
Protein change: p.Gly282Asp; replaces glycine 282 with aspartic acid.
Molecular consequence: missense variant.
Genome position (GRCh38, 1-based): chr1:235,458,783, C>T on the plus strand (G>A on the coding strand, the complement: B3GALNT2 is on the minus strand). VCF-style: chr1-235458783-C-T. GRCh37 (hg19) VCF-style: chr1-235622091-C-T.
Other names: short protein forms G282D.
Identifiers: ClinVar variation 1041550 (VCV001041550.4), dbSNP rs776153145, ClinGen allele CA1464754.
Genomic context (GRCh38, chr1:235,458,783, plus strand): 5'-TTCCTTATATGATCAATAAGTCTTTGAGGGCGAGAATGAAGGTTGTGTAAGAGAGCATCA[C>T]CTTCTATAAAGGAAAAGTTGAGAGTTGGAGAAAAATGCTGTTGTAAAGTTACCATTCAGA-3'
Protein context (NP_689703.1, residues 272-292): AGGFIYTIQE[Gly282Asp]DALLHNLHSR